The following is an entry in ClinVar:

NM_001040716.2(PC):c.2369del (p.Gly790fs)

Gene: PC (pyruvate carboxylase; minus strand). Cytogenetic location: 11q13.2.
Variant type: Deletion.
Coding change: c.2369del on transcript NM_001040716.2 (MANE Select); coding-DNA position 2369, one base deleted (G; older notation c.2369delG).
Protein change: p.Gly790fs; shifts the reading frame from glycine 790.
Molecular consequence: frameshift variant.
Genome position (GRCh38, 1-based): chr11:66,850,778, C deleted on the plus strand (G on the coding strand, the reverse complement: PC is on the minus strand); the first of 2 consecutive C bases (chr11:66,850,778-66,850,779); deleting either gives the same sequence. VCF-style (leftmost placement, unchanged base first): chr11-66850777-TC-T. GRCh37 (hg19) VCF-style: chr11-66618248-TC-T.
Other names: c.2369del, p.Gly790fs (NM_000920.4, NM_022172.3); short protein forms G790fs.
Identifiers: ClinVar variation 1725493 (VCV001725493.2), dbSNP rs2495440025, ClinGen allele CA2580084582.

ClinVar aggregate classification (germline): Likely pathogenic (1 of 4 stars; one submission).

Conditions:
Pyruvate carboxylase deficiency. Also called: ATAXIA WITH LACTIC ACIDOSIS II; LEIGH NECROTIZING ENCEPHALOPATHY DUE TO PYRUVATE CARBOXYLASE DEFICIENCY; LEIGH SYNDROME DUE TO PYRUVATE CARBOXYLASE DEFICIENCY; PC DEFICIENCY; Pyruvate Carboxylase Deficiency Disease. Identifiers: Orphanet 3008, MedGen C0034341, MONDO:0009949, OMIM 266150.

Submission:

Myriad Genetics, Inc.
Classification: Likely pathogenic for Pyruvate carboxylase deficiency. Last evaluated: 2022-03-29. Review status: criteria provided, single submitter. Criteria: Myriad Women's Health Autosomal Recessive and X-Linked Classification Criteria (2021). Collection method: clinical testing. Allele origin: unknown.
Comment: NM_000920.3(PC):c.2369delG(G790Efs*15) is expected to be pathogenic in the context of pyruvate carboxylase deficiency. This variant is predicted to lead to an abnormal or absent protein product due to the creation of a premature termination codon in PC, a gene where loss-of-function variants are known to be pathogenic. Please note: this variant was assessed in the context of healthy population screening.